The following is an entry in ClinVar:

ClinVar aggregate classification (germline): Pathogenic. Review status: criteria provided, multiple submitters, no conflicts (2 of 4 stars). 13 submissions from 13 submitters: Pathogenic (10). 3 of the submissions do not count toward it. Last evaluated 2026-03-27.

Conditions:
Fanconi anemia, complementation group S (FANCS). Identifiers: MedGen C4554406, MONDO:0054748, OMIM 617883.
Breast neoplasm. Also called: Neoplasm of breast; Breast tumor; Neoplasm of the breast; Breast Neoplasms. Identifiers: MedGen C1458155, MeSH D001943, MONDO:0021100, HP:0100013. Disease mechanism: gain of function.
Hereditary cancer-predisposing syndrome. Also called: Tumor predisposition; Neoplastic Syndromes, Hereditary; Hereditary Cancer Syndrome; Hereditary neoplastic syndrome. Identifiers: Orphanet 140162, MedGen C0027672, MeSH D009386, MONDO:0015356.
Hereditary breast ovarian cancer syndrome. Also called: Hereditary breast and ovarian cancer syndrome (HBOC); Hereditary breast and ovarian cancer syndrome; Hereditary breast and ovarian cancer; Hereditary breast and/or ovarian cancer syndrome; Breast and ovarian cancer; BRCA1- and BRCA2-Associated Hereditary Breast and Ovarian Cancer. Identifiers: Orphanet 145, MedGen C0677776, MeSH D061325, MONDO:0003582. Disease mechanism: loss of function.
Breast-ovarian cancer, familial, susceptibility to, 1 (BROVCA1). Also called: OVARIAN CANCER, SUSCEPTIBILITY TO; BRCA1 Hereditary Breast and Ovarian Cancer. Identifiers: Orphanet 145, MedGen C2676676, MONDO:0011450, OMIM 604370. Disease mechanism: loss of function.

Submissions (13):

Dasa
Classification: Pathogenic for Breast-ovarian cancer, familial, susceptibility to, 1. Last evaluated: 2026-03-27. Review status: criteria provided, single submitter. Criteria: DASA Assertion Criteria. Collection method: clinical testing. Allele origin: germline.
Comment: NM_007294.4(BRCA1):c.2405_2406del (p.Val802Glufs*7) is a frameshift variant in BRCA1 predicted to alter the reading frame and introduce a premature termination codon and is predicted to result in an absent or altered protein product. Loss of function is an established disease mechanism for BRCA1 (PMID: 32375709; PMID: 21989022; PMID: 11802209). The affected residue or protein region has prior evidence supporting clinical relevance. Published studies describe this variant in association with Breast-ovarian cancer, familial, susceptibility to, 1 (PMID: 11179017; PMID: 20373018). Also, this variant is rare in population databases. Based on the currently available evidence, this variant is classified as pathogenic.

Ambry Genetics
Classification: Pathogenic for Hereditary cancer-predisposing syndrome. Last evaluated: 2025-03-10. Review status: criteria provided, single submitter. Criteria: Ambry Variant Classification Scheme 2023. Collection method: clinical testing. Allele origin: germline.
Comment: The c.2405_2406delTG pathogenic mutation, located in coding exon 9 of the BRCA1 gene, results from a deletion of two nucleotides at nucleotide positions 2405 to 2406, causing a translational frameshift with a predicted alternate stop codon (p.V802Efs*7). This alteration has been reported in multiple individuals that meet criteria for hereditary breast and ovarian cancer (HBOC) syndrome (Risch HA et al. Am. J. Hum. Genet. 2001 Mar;68:700-10; Papi L et al. Breast Cancer Res. Treat. 2009 Oct;117:497-504; Carraro DM et al. PLoS ONE. 2013 Mar;8:e57581; Azzollini J et al. Eur. J. Intern. Med. 2016 Jul;32:65-71; Rashid MU et al. BMC Cancer. 2016 08;16:673; Siraj AK et al. Hum Mutat, 2019 06;40:729-733; Santonocito C et al. Cancers (Basel), 2020 May;12:; Vietri MT et al. Eur J Med Genet, 2020 Jun;63:103883). Of note, this alteration is also designated as 2524delTG and c.2401_2402delTG in published literature. In addition to the clinical data presented in the literature, this alteration is expected to result in loss of function by premature protein truncation or nonsense-mediated mRNA decay. As such, this alteration is interpreted as a disease-causing mutation.

Department of Pathology and Laboratory Medicine, Sinai Health System
Classification: Pathogenic for Fanconi anemia, complementation group S. Last evaluated: 2024-03-19. Review status: criteria provided, single submitter. Criteria: ACMG Guidelines, 2015. Collection method: clinical testing. Allele origin: germline. Affected: no.

Labcorp Genetics (formerly Invitae), Labcorp
Classification: Pathogenic for Hereditary breast ovarian cancer syndrome. Last evaluated: 2023-10-16. Review status: criteria provided, single submitter. Criteria: Invitae Variant Classification Sherloc (09022015). Collection method: clinical testing. Allele origin: germline.
Comment: This sequence change creates a premature translational stop signal (p.Val802Glufs*7) in the BRCA1 gene. It is expected to result in an absent or disrupted protein product. Loss-of-function variants in BRCA1 are known to be pathogenic (PMID: 20104584). This variant is present in population databases (rs80357706, gnomAD 0.003%). This premature translational stop signal has been observed in individual(s) with breast and/or ovarian cancer (PMID: 11179017, 20373018, 23469205, 27062684, 29907814). This variant is also known as c.2524delTG. ClinVar contains an entry for this variant (Variation ID: 54558). For these reasons, this variant has been classified as Pathogenic.

GeneDx
Classification: Pathogenic. Last evaluated: 2023-06-01. Review status: criteria provided, single submitter. Criteria: GeneDx Variant Classification Process June 2021. Collection method: clinical testing. Allele origin: germline. Affected: yes.
Comment: Frameshift variant predicted to result in protein truncation or nonsense mediated decay in a gene for which loss of function is a known mechanism of disease; Identified in individuals with personal or family history of breast or ovarian cancer (Risch et al., 2001; Liede et al., 2002; Carraro et al., 2013; Azzolini et al., 2016; Brianese et al., 2017; Jara et al., 2017; Rashid et al., 2019; Siraj et al., 2019; Hur et al., 2020; Santonocito et al., 2020; Guindalini et al., 2022); Not observed at significant frequency in large population cohorts (gnomAD); Truncating variants in this gene are considered pathogenic by a well-established clinical consortium and/or database; Also known as 2524delTG; This variant is associated with the following publications: (PMID: 24884479, 32058061, 20373018, 23469205, 11179017, 27553291, 27062684, 18821011, 12181777, 27836010, 29116469, 25007954, 28985766, 29346284, 27741520, 30720243, 29907814, 11597388, 29922827, 34645131, 35377489, 30825404, 31528241, 32455662, 32438681, 35264596)

Color Diagnostics, LLC DBA Color Health
Classification: Pathogenic for Hereditary cancer-predisposing syndrome. Last evaluated: 2020-01-15. Review status: criteria provided, single submitter. Criteria: ACMG Guidelines, 2015. Collection method: clinical testing. Allele origin: germline.
Comment: This variant deletes 2 nucleotides in exon 10 of the BRCA1 gene, creating a frameshift and premature translation stop signal. This variant is expected to result in an absent or non-functional protein product. This variant has been identified in 1/250578 chromosomes in the general population by the Genome Aggregation Database (gnomAD). Loss of BRCA1 function is a known mechanism of disease. Based on the available evidence, this variant is classified as Pathogenic.

Mendelics
Classification: Pathogenic for Hereditary breast and ovarian cancer syndrome. Last evaluated: 2018-07-02. Review status: criteria provided, single submitter. Criteria: Mendelics Assertion Criteria 2017. Collection method: clinical testing. Allele origin: unknown.

Consortium of Investigators of Modifiers of BRCA1/2 (CIMBA), c/o University of Cambridge
Classification: Pathogenic for Breast-ovarian cancer, familial, susceptibility to, 1. Last evaluated: 2015-10-02. Review status: criteria provided, single submitter. Criteria: CIMBA Mutation Classification guidelines May 2016. Collection method: clinical testing. Allele origin: germline.

Clinical Genetics DNA and cytogenetics Diagnostics Lab, Erasmus MC, Erasmus Medical Center
Classification: Pathogenic for Breast-ovarian cancer, familial, susceptibility to, 1. Last evaluated: 2015-09-21. Review status: criteria provided, single submitter. Criteria: ACGS Guidelines, 2013. Collection method: clinical testing. Allele origin: germline. Affected: yes. Study: VKGL Data-share Consensus.

Clinical and Functional Genomics Group, A.C.Camargo Cancer Center
Classification: Pathogenic for Breast Cancer. Review status: criteria provided, single submitter. Criteria: Carraro et al. (PLoS One. 2013). Collection method: research. Allele origin: germline. Affected: yes.

Research Molecular Genetics Laboratory, Women's College Hospital, University of Toronto
Classification: Pathogenic for Hereditary breast ovarian cancer syndrome. Last evaluated: 2014-01-31. Review status: no assertion criteria provided. Collection method: research. Allele origin: germline. Affected: yes. Study: The Canadian Open Genetics Repository (COGR). Not counted in ClinVar's aggregate classification.

Breast Cancer Information Core (BIC) (BRCA1)
Classification: Pathogenic for Breast-ovarian cancer, familial 1. Last evaluated: 2002-05-29. Review status: no assertion criteria provided. Collection method: clinical testing. Allele origin: germline, unknown. Affected: yes. Observed: 5 variant alleles. Not counted in ClinVar's aggregate classification.

Diagnostic Laboratory, Department of Genetics, University Medical Center Groningen
Classification: Pathogenic for Breast-ovarian cancer, familial, susceptibility to, 1. Review status: no assertion criteria provided. Collection method: clinical testing. Allele origin: germline. Affected: yes. Study: VKGL Data-share Consensus. Not counted in ClinVar's aggregate classification.

Literature cited by the submitters: PubMed 11179017 (cited by 4 submitters); PubMed 20373018 (cited by 3 submitters); PubMed 32375709 (cited by Dasa); PubMed 21989022 (cited by Dasa); PubMed 11802209 (cited by Dasa); PubMed 18821011 (cited by Ambry Genetics); PubMed 23469205 (cited by 3 submitters); PubMed 27062684 (cited by 3 submitters); PubMed 27553291 (cited by Ambry Genetics); PubMed 30825404 (cited by Ambry Genetics); PubMed 32058061 (cited by Ambry Genetics); PubMed 32438681 (cited by Ambry Genetics); PubMed 29907814 (cited by Department of Pathology and Laboratory Medicine, Sinai Health System and Labcorp Genetics (formerly Invitae), Labcorp); PubMed 20104584 (cited by Labcorp Genetics (formerly Invitae), Labcorp); PubMed 24884479 (cited by Clinical and Functional Genomics Group, A.C.Camargo Cancer Center); PubMed 15383404 (cited by Breast Cancer Information Core (BIC) (BRCA1)).

NM_007294.4(BRCA1):c.2405_2406del (p.Val802fs)

Gene: BRCA1 (BRCA1 DNA repair associated; minus strand). Cytogenetic location: 17q21.31.
Variant type: Microsatellite.
Coding change: c.2405_2406del on transcript NM_007294.4 (MANE Select); coding-DNA positions 2405 to 2406, 2 bases deleted (TG; older notation c.2405_2406delTG).
Protein change: p.Val802fs; shifts the reading frame from valine 802.
Molecular consequence: frameshift variant. On other transcripts: intron variant (137).
Genome position (GRCh38, 1-based): chr17:43,093,125-43,093,126, CA deleted on the plus strand (TG on the coding strand, the reverse complement: BRCA1 is on the minus strand); deleting any 2 consecutive bases within chr17:43,093,125-43,093,130 gives the same sequence; the c. name uses the placement nearest the transcript's 3' end. VCF-style (leftmost placement, unchanged base first): chr17-43093124-TCA-T. GRCh37 (hg19) VCF-style: chr17-41245141-TCA-T.
Other names: 2524delTG; 2520delTG; c.2405_2406delTG (NM_007294.3); c.2192_2193del, p.Val731fs (NM_001407571.1, NM_001407853.1, NM_001407894.1 and 9 more transcripts); c.2405_2406del, p.Val802fs (NM_001407581.1, NM_001407582.1, NM_001407583.1 and 30 more transcripts); c.2402_2403del, p.Val801fs (NM_001407587.1, NM_001407590.1, NM_001407591.1 and 22 more transcripts); c.2396_2397del, p.Val799fs (NM_001407646.1, NM_001407647.1); c.2282_2283del, p.Val761fs (NM_001407648.1, NM_001407664.1, NM_001407665.1 and 19 more transcripts); and 44 more; short protein forms V802fs, V755fs, V675fs, V690fs, V691fs, V731fs, V735fs, V776fs.
Identifiers: ClinVar variation 54558 (VCV000054558.28), dbSNP rs80357706, ClinGen allele CA001596.